The following is an entry in ClinVar:

NM_006379.5(SEMA3C):c.1524G>A (p.Gln508=)

Gene: SEMA3C (semaphorin 3C; minus strand). Cytogenetic location: 7q21.11.
Variant type: single nucleotide variant.
Coding change: c.1524G>A on transcript NM_006379.5 (MANE Select); coding-DNA position 1524, G replaced by A.
Protein change: p.Gln508=; no amino-acid change (glutamine 508 retained).
Molecular consequence: synonymous variant.
Genome position (GRCh38, 1-based): chr7:80,758,450, C>T on the plus strand (G>A on the coding strand, the complement: SEMA3C is on the minus strand). VCF-style: chr7-80758450-C-T. GRCh37 (hg19) VCF-style: chr7-80387766-C-T.
Other names: c.1578G>A, p.Gln526= (NM_001350120.2); c.1350G>A, p.Gln450= (NM_001350121.2).
Identifiers: ClinVar variation 3059253 (VCV003059253.2), dbSNP rs1058425, ClinGen allele CA4316067.

ClinVar aggregate classification (germline): Benign (0 of 4 stars; one submission).

Conditions:
SEMA3C-related disorder. Also called: SEMA3C-related condition.

Allele frequency attached by ClinVar (database versions not stated): gnomAD exomes 0.22327; ExAC 0.28655; ESP Exome Variant Server 0.33231; gnomAD 0.33839; TOPMed 0.35497; 1000 Genomes Project 30x 0.41084; 1000 Genomes Project 0.41214.
gnomAD v4.1: 379,576 of 1,613,218 alleles (24%); highest among the groups gnomAD compares: African/African-American, 62%; 53,649 homozygotes.

Submission:

PreventionGenetics, part of Exact Sciences
Classification: Benign for SEMA3C-related condition. Last evaluated: 2022-09-24. Review status: no assertion criteria provided. Collection method: clinical testing. Allele origin: germline.
Comment: This variant is classified as benign based on ACMG/AMP sequence variant interpretation guidelines (Richards et al. 2015 PMID: 25741868, with internal and published modifications).